The following is an entry in ClinVar:

ClinVar aggregate classification (germline): Uncertain significance (1 of 4 stars; one submission).

Submission:

Labcorp Genetics (formerly Invitae), Labcorp
Classification: Uncertain significance. Last evaluated: 2022-03-18. Review status: criteria provided, single submitter. Criteria: Invitae Variant Classification Sherloc (09022015). Collection method: clinical testing. Allele origin: germline.
Comment: This sequence change replaces proline, which is neutral and non-polar, with threonine, which is neutral and polar, at codon 85 of the ATP6V1A protein (p.Pro85Thr). This variant is not present in population databases (gnomAD no frequency). This variant has not been reported in the literature in individuals affected with ATP6V1A-related conditions. Algorithms developed to predict the effect of missense changes on protein structure and function (SIFT, PolyPhen-2, Align-GVGD) all suggest that this variant is likely to be disruptive. In summary, the available evidence is currently insufficient to determine the role of this variant in disease. Therefore, it has been classified as a Variant of Uncertain Significance.

NM_001690.4(ATP6V1A):c.253C>A (p.Pro85Thr)

Gene: ATP6V1A (ATPase H+ transporting V1 subunit A; plus strand). Cytogenetic location: 3q13.31.
Variant type: single nucleotide variant.
Coding change: c.253C>A on transcript NM_001690.4 (MANE Select); coding-DNA position 253, C replaced by A.
Protein change: p.Pro85Thr; replaces proline 85 with threonine.
Molecular consequence: missense variant.
Genome position (GRCh38, 1-based): chr3:113,784,265, C>A. VCF-style: chr3-113784265-C-A. GRCh37 (hg19) VCF-style: chr3-113503112-C-A.
Other names: short protein forms P85T.
Identifiers: ClinVar variation 1380552 (VCV001380552.6), dbSNP rs2108029577, ClinGen allele CA354007237.